The following is an entry in ClinVar:

ClinVar aggregate classification (germline): Conflicting classifications of pathogenicity. Review status: criteria provided, conflicting classifications (1 of 4 stars). 10 submissions from 10 submitters: Uncertain significance (9); Likely benign (1). Last evaluated 2026-02-03.

Conditions:
KCNQ1-related disorder. Also called: KCNQ1-related condition; KCNQ1-related disorders. Identifiers: MedGen CN239322.
Cardiovascular phenotype. Identifiers: MedGen CN230736.
Cardiac arrhythmia. Also called: Arrhythmia; Cardiac rhythm disease. Identifiers: MedGen C0003811, MONDO:0007263, HP:0011675.
Short QT syndrome type 2. Identifiers: Orphanet 51083, MedGen C1865019, MONDO:0012313, OMIM 609621.
Jervell and Lange-Nielsen syndrome 1 (JLNS1). Also called: PROLONGED QT INTERVAL IN EKG AND SUDDEN DEATH; SURDO-CARDIAC SYNDROME; CARDIOAUDITORY SYNDROME OF JERVELL AND LANGE-NIELSEN; DEAFNESS, CONGENITAL, AND FUNCTIONAL HEART DISEASE. Identifiers: Orphanet 768, Orphanet 90647, MedGen C4551509, MONDO:0024540, OMIM 220400.
Atrial fibrillation, familial, 3 (ATFB3). Identifiers: MedGen C1837014, MONDO:0011857, OMIM 607554.
Beckwith-Wiedemann syndrome (BWS). Also called: EMG SYNDROME; Exomphalos macroglossia gigantism syndrome. Identifiers: Orphanet 116, MedGen C0004903, MONDO:0007534, OMIM 130650.
Long QT syndrome 1 (LQT1). Identifiers: Orphanet 101016, Orphanet 768, MedGen C4551647, MONDO:0100316, OMIM 192500, MONDO:0008646.
Long QT syndrome (LQTS). Identifiers: MedGen C0023976, MeSH D008133, MONDO:0002442. Disease mechanism: loss of function. Inheritance: Various modes of inheritance.
Brugada syndrome. Also called: Sudden Unexplained Death Syndrome; Sudden Unexplained Nocturnal Death Syndrome (SUNDS); Sudden unexplained nocturnal death syndrome; Sudden unexpected nocturnal death syndrome. Identifiers: Orphanet 130, MedGen C1142166, MONDO:0015263.

Allele frequency attached by ClinVar (database versions not stated): gnomAD 0.00005; gnomAD exomes 0.00005; TOPMed 0.00006; ExAC 0.00019.
gnomAD v4.1: 60 of 1,574,258 alleles (0.0038%); highest among the groups gnomAD compares: African/African-American, 0.0081%; no homozygotes.

Submissions (10):

PreventionGenetics, part of Exact Sciences
Classification: Uncertain significance for KCNQ1-related condition. Last evaluated: 2026-02-03. Review status: criteria provided, single submitter. Criteria: ACMG Guidelines, 2015. Collection method: clinical testing. Allele origin: germline.
Comment: The KCNQ1 c.1885G>A variant is predicted to result in the amino acid substitution p.Gly629Ser. This variant was reported in an individual with long QT syndrome, although conclusive evidence of pathogenicity was not presented (Chae et al. 2017. PubMed ID: 27871843). This variant is reported in 0.016% of alleles in individuals of African descent in gnomAD. At this time, the clinical significance of this variant is uncertain due to the absence of conclusive functional and genetic evidence.

Color Diagnostics, LLC DBA Color Health
Classification: Uncertain significance for Cardiac arrhythmia. Last evaluated: 2025-11-06. Review status: criteria provided, single submitter. Criteria: ACMG Guidelines, 2015. Collection method: clinical testing. Allele origin: germline.
Comment: This missense variant replaces glycine with serine at codon 629 of the KCNQ1 protein. Computational prediction suggests that this variant may not impact protein structure and function. To our knowledge, functional studies have not been reported for this variant. This variant has been reported in individuals affected with long QT syndrome (PMID 27871843), Brugada syndrome (PMID: 29255176), or hypertrophic cardiomyopathy (PMID: 25351510). This variant has been identified in 60/1574258 chromosomes in the general population by the Genome Aggregation Database (gnomAD). The available evidence is insufficient to determine the role of this variant in disease conclusively. Therefore, this variant is classified as a Variant of Uncertain Significance.

Ambry Genetics
Classification: Uncertain significance for Cardiovascular phenotype. Last evaluated: 2025-09-19. Review status: criteria provided, single submitter. Criteria: Ambry Variant Classification Scheme 2023. Collection method: clinical testing. Allele origin: germline.
Comment: The p.G629S variant (also known as c.1885G>A), located in coding exon 16 of the KCNQ1 gene, results from a G to A substitution at nucleotide position 1885. The glycine at codon 629 is replaced by serine, an amino acid with similar properties. This alteration was reported in one patient with long QT syndrome, though specific clinical details were limited (Chae H et al. Clin Chim Acta, 2017 Jan;464:128-135). This amino acid position is not well conserved in available vertebrate species. In addition, the in silico prediction for this alteration is inconclusive. Since supporting evidence is limited at this time, the clinical significance of this alteration remains unclear.

Labcorp Genetics (formerly Invitae), Labcorp
Classification: Uncertain significance for Long QT syndrome. Last evaluated: 2024-12-27. Review status: criteria provided, single submitter. Criteria: Invitae Variant Classification Sherloc (09022015). Collection method: clinical testing. Allele origin: germline.
Comment: This sequence change replaces glycine, which is neutral and non-polar, with serine, which is neutral and polar, at codon 629 of the KCNQ1 protein (p.Gly629Ser). This variant is present in population databases (rs775608046, gnomAD 0.02%). This missense change has been observed in individual(s) with KCNQ1-related conditions (PMID: 25351510, 27871843, 29255176). ClinVar contains an entry for this variant (Variation ID: 427960). An algorithm developed to predict the effect of missense changes on protein structure and function outputs the following: PolyPhen-2: "Benign". The serine amino acid residue is found in multiple mammalian species, which suggests that this missense change does not adversely affect protein function. In summary, the available evidence is currently insufficient to determine the role of this variant in disease. Therefore, it has been classified as a Variant of Uncertain Significance.

All of Us Research Program, National Institutes of Health
Classification: Uncertain significance for Long QT syndrome. Last evaluated: 2024-02-05. Review status: criteria provided, single submitter. Criteria: ACMG Guidelines, 2015. Collection method: clinical testing. Allele origin: germline. Inheritance: Autosomal dominant inheritance. Observed: 8 variant alleles, 8 heterozygotes.
Comment: This missense variant replaces glycine with serine at codon 629 of the KCNQ1 protein. Computational prediction is inconclusive regarding the impact of this variant on protein structure and function (internally defined REVEL score threshold 0.5 < inconclusive < 0.7, PMID: 27666373). To our knowledge, functional studies have not been reported for this variant. This variant has been reported in an individual affected with long QT syndrome (PMID 27871843), Brugada syndrome (PMID: 29255176), or hypertrophic cardiomyopathy (PMID: 25351510). This variant has been identified in 11/215064 chromosomes in the general population by the Genome Aggregation Database (gnomAD). The available evidence is insufficient to determine the role of this variant in disease conclusively. Therefore, this variant is classified as a Variant of Uncertain Significance.

This study involves interpretation of variants in research participants for the purpose of population health screening. Participant phenotype was not available at the time of variant classification. Additional details can be found in publication PMID: 35346344, PMCID: PMC8962531

Blueprint Genetics
Classification: Likely benign. Last evaluated: 2023-12-19. Review status: criteria provided, single submitter. Criteria: ACMG Guidelines, 2015. Collection method: clinical testing. Allele origin: germline.

Fulgent Genetics
Classification: Uncertain significance for Beckwith-Wiedemann syndrome; Long QT syndrome 1; Jervell and Lange-Nielsen syndrome 1; Atrial fibrillation, familial, 3; Short QT syndrome type 2. Last evaluated: 2021-12-08. Review status: criteria provided, single submitter. Criteria: ACMG Guidelines, 2015. Collection method: clinical testing. Allele origin: unknown.

GeneDx
Classification: Uncertain significance. Last evaluated: 2019-06-27. Review status: criteria provided, single submitter. Criteria: GeneDx Variant Classification Process June 2021. Collection method: clinical testing. Allele origin: germline. Affected: yes.
Comment: Reported in association with hypertrophic cardiomyopathy, Brugada syndrome, and LQTS (Lopes et al., 2015; Robyns et al., 2017; Chae et al., 2017); Reported in ClinVar as a variant of uncertain significance (ClinVar Variant ID# 427960; Landrum et al., 2016); In silico analysis, which includes protein predictors and evolutionary conservation, supports that this variant does not alter protein structure/function; This variant is associated with the following publications: (PMID: 27871843, 25351510, 29255176)

ARUP Laboratories, Molecular Genetics and Genomics, ARUP Laboratories
Classification: Uncertain significance. Last evaluated: 2019-05-23. Review status: criteria provided, single submitter. Criteria: ARUP Molecular Germline Variant Investigation Process. Collection method: clinical testing. Allele origin: germline.
Comment: The KCNQ1 c.1885G>A; p.Gly629Ser variant (rs775608046) is reported in the literature in an individual affected with long QT syndrome, though it was not demonstrated to be disease-causing (Chae 2017). This variant is found in the general population with a low overall allele frequency of 0.005% (11/215064 alleles) in the Genome Aggregation Database. The glycine at codon 629 is weakly conserved, and computational analyses (SIFT, PolyPhen-2) predict that this variant is tolerated. However, due to limited information, the clinical significance of the p.Gly629Ser variant is uncertain at this time. References: Chae H et al. Considerations when using next-generation sequencing for genetic diagnosis of long-QT syndrome in the clinical testing laboratory. Clin Chim Acta. 2017 Jan;464:128-135.

Center for Human Genetics, University of Leuven
Classification: Uncertain significance for Brugada syndrome. Last evaluated: 2017-04-30. Review status: criteria provided, single submitter. Criteria: ACMG Guidelines, 2015. Collection method: clinical testing. Allele origin: germline. Inheritance: Autosomal dominant inheritance. Affected: yes.

Literature cited by the submitters: PubMed 25351510 (cited by 3 submitters); PubMed 27871843 (cited by 3 submitters); PubMed 29255176 (cited by 3 submitters).

NM_000218.3(KCNQ1):c.1885G>A (p.Gly629Ser)

Genes: KCNQ1 (potassium voltage-gated channel subfamily Q member 1; plus strand), KCNQ1-AS1 (KCNQ1 antisense RNA 1; minus strand). Cytogenetic location: 11p15.4.
Variant type: single nucleotide variant.
Coding change: c.1885G>A on transcript NM_000218.3 (MANE Select); coding-DNA position 1885, G replaced by A.
Protein change: p.Gly629Ser; replaces glycine 629 with serine.
Molecular consequence: missense variant.
Genome position (GRCh38, 1-based): chr11:2,847,857, G>A. VCF-style: chr11-2847857-G-A. GRCh37 (hg19) VCF-style: chr11-2869087-G-A.
Other names: c.1789G>A, p.Gly597Ser (NM_001406836.1); c.1615G>A, p.Gly539Ser (NM_001406837.1); c.1345G>A, p.Gly449Ser (NM_001406838.1); c.397G>A, p.Gly133Ser (NM_001406839.1); c.1504G>A, p.Gly502Ser (NM_181798.2); short protein forms G502S, G629S, G133S, G597S, G449S, G539S.
Identifiers: ClinVar variation 427960 (VCV000427960.32), dbSNP rs775608046, ClinGen allele CA033561.